The following is an entry in ClinVar:

NM_001035.3(RYR2):c.12488C>T (p.Pro4163Leu)

Genes: RYR2 (ryanodine receptor 2; plus strand), LOC126806068 (BRD4-independent group 4 enhancer GRCh37_chr1:237947411-237948610; plus strand). Cytogenetic location: 1q43.
Variant type: single nucleotide variant.
Coding change: c.12488C>T on transcript NM_001035.3 (MANE Select); coding-DNA position 12488, C replaced by T.
Protein change: p.Pro4163Leu; replaces proline 4163 with leucine.
Molecular consequence: missense variant.
Genome position (GRCh38, 1-based): chr1:237,784,200, C>T. VCF-style: chr1-237784200-C-T. GRCh37 (hg19) VCF-style: chr1-237947500-C-T.
Other names: short protein forms P4163L.
Identifiers: ClinVar variation 3385855 (VCV003385855.1).

ClinVar aggregate classification (germline): Uncertain significance (1 of 4 stars; one submission).

Conditions:
Catecholaminergic polymorphic ventricular tachycardia (CVPT). Also called: Catecholamine-induced polymorphic ventricular tachycardia. Identifiers: Orphanet 3286, MedGen C5574922, MONDO:0017990.

Submission:

All of Us Research Program, National Institutes of Health
Classification: Uncertain significance for Catecholaminergic polymorphic ventricular tachycardia. Last evaluated: 2024-05-30. Review status: criteria provided, single submitter. Criteria: ACMG Guidelines, 2015. Collection method: clinical testing. Allele origin: germline. Inheritance: Autosomal dominant inheritance. Observed: 1 variant allele, 1 heterozygote.
Comment: This missense variant replaces proline with leucine at codon 4163 of the RYR2 protein. Computational prediction suggests that this variant may have deleterious impact on protein structure and function (internally defined REVEL score threshold >= 0.7, PMID: 27666373). To our knowledge, functional studies have not been reported for this variant. This variant has not been reported in individuals affected with RYR2-related disorders in the literature. This variant has not been identified in the general population by the Genome Aggregation Database (gnomAD). The available evidence is insufficient to determine the role of this variant in disease conclusively. Therefore, this variant is classified as a Variant of Uncertain Significance.

This study involves interpretation of variants in research participants for the purpose of population health screening. Participant phenotype was not available at the time of variant classification. Additional details can be found in publication PMID: 35346344, PMCID: PMC8962531